The following is an entry in ClinVar:

NM_014283.5(SUCO):c.2419A>G (p.Ile807Val)

Gene: SUCO (SUN domain containing ossification factor; plus strand). Cytogenetic location: 1q24.3.
Variant type: single nucleotide variant.
Coding change: c.2419A>G on transcript NM_014283.5 (MANE Select); coding-DNA position 2419, A replaced by G.
Protein change: p.Ile807Val; replaces isoleucine 807 with valine.
Molecular consequence: missense variant. On other transcripts: intron variant (1).
Genome position (GRCh38, 1-based): chr1:172,589,520, A>G. VCF-style: chr1-172589520-A-G. GRCh37 (hg19) VCF-style: chr1-172558660-A-G.
Other names: c.730A>G, p.Ile244Val (NM_001282751.2); c.2872A>G, p.Ile958Val (NM_016227.4); c.1712+596A>G (NM_001282750.2); short protein forms I807V, I244V, I958V.
Identifiers: ClinVar variation 4744771 (VCV004744771.1).
Genomic context (GRCh38, chr1:172,589,520, plus strand): 5'-ATAGAGAAACCATCTATTACCTATGAAACAAATAAAGTTAATGAGTTAATGGATAATATT[A>G]TAAAAGAAGATGTGAACTCCATGCAAATTTTCACAAAGCTGTCTGAAACAATAGTGCCAC-3'
Protein context (NP_055098.1, residues 797-817): NKVNELMDNI[Ile807Val]KEDVNSMQIF

ClinVar aggregate classification (germline): Uncertain significance (1 of 4 stars; one submission).

gnomAD v4.1: 4 of 1,613,150 alleles (0.00025%); highest among the groups gnomAD compares: South Asian, 0.0011%; no homozygotes.

Submission:

Labcorp Genetics (formerly Invitae), Labcorp
Classification: Uncertain significance. Last evaluated: 2025-12-21. Review status: criteria provided, single submitter. Criteria: Invitae Variant Classification Sherloc (09022015). Collection method: clinical testing. Allele origin: germline.
Comment: This sequence change replaces isoleucine, which is neutral and non-polar, with valine, which is neutral and non-polar, at codon 807 of the SUCO protein (p.Ile807Val). This variant is present in population databases (no rsID available, gnomAD 0.003%). This variant has not been reported in the literature in individuals affected with SUCO-related conditions. An algorithm developed to predict the effect of missense changes on protein structure and function outputs the following: PolyPhen-2: "Benign". The valine amino acid residue is found in multiple mammalian species, which suggests that this missense change does not adversely affect protein function. In summary, the available evidence is currently insufficient to determine the role of this variant in disease. Therefore, it has been classified as a Variant of Uncertain Significance.